The following is an entry in ClinVar:

NM_003803.4(MYOM1):c.3412C>T (p.Arg1138Cys)

Gene: MYOM1 (myomesin 1; minus strand). Cytogenetic location: 18p11.31.
Variant type: single nucleotide variant.
Coding change: c.3412C>T on transcript NM_003803.4 (MANE Select); coding-DNA position 3412, C replaced by T.
Protein change: p.Arg1138Cys; replaces arginine 1138 with cysteine.
Molecular consequence: missense variant.
Genome position (GRCh38, 1-based): chr18:3,112,304, G>A on the plus strand (C>T on the coding strand, the complement: MYOM1 is on the minus strand). VCF-style: chr18-3112304-G-A. GRCh37 (hg19) VCF-style: chr18-3112302-G-A.
Other names: c.3124C>T, p.Arg1042Cys (NM_019856.2); short protein forms R1138C, R1042C.
Identifiers: ClinVar variation 454448 (VCV000454448.16), dbSNP rs200710899, ClinGen allele CA8874313.

ClinVar aggregate classification (germline): Conflicting classifications of pathogenicity. Review status: criteria provided, conflicting classifications (1 of 4 stars). 3 submissions from 3 submitters: Uncertain significance (1); Benign (1). 1 of the submissions does not count toward it. Last evaluated 2026-02-01.

Conditions:
MYOM1-related disorder.
Hypertrophic cardiomyopathy. Also called: HYPERTROPHIC MYOCARDIOPATHY. Identifiers: Orphanet 217569, MedGen C0007194, MeSH D002312, MONDO:0005045, HP:0001639.

Allele frequency attached by ClinVar (database versions not stated): ExAC 0.00053; 1000 Genomes Project 0.00120; 1000 Genomes Project 30x 0.00156; ESP Exome Variant Server 0.00156; gnomAD 0.00163 and 0.00173; TOPMed 0.00173.
gnomAD v4.1: 476 of 1,612,988 alleles (0.03%); highest among the groups gnomAD compares: African/African-American, 0.54%; no homozygotes.

Submissions (3):

Labcorp Genetics (formerly Invitae), Labcorp
Classification: Benign for Hypertrophic cardiomyopathy. Last evaluated: 2026-02-01. Review status: criteria provided, single submitter. Criteria: Invitae Variant Classification Sherloc (09022015). Collection method: clinical testing. Allele origin: germline.

Ambry Genetics
Classification: Uncertain significance. Last evaluated: 2025-08-21. Review status: criteria provided, single submitter. Criteria: Ambry Variant Classification Scheme 2023. Collection method: clinical testing. Allele origin: germline.

PreventionGenetics, part of Exact Sciences
Classification: Likely benign for MYOM1-related condition. Last evaluated: 2019-09-30. Review status: no assertion criteria provided. Collection method: clinical testing. Allele origin: germline. Not counted in ClinVar's aggregate classification.
Comment: This variant is classified as likely benign based on ACMG/AMP sequence variant interpretation guidelines (Richards et al. 2015 PMID: 25741868, with internal and published modifications).